The following is an entry in ClinVar:

ClinVar aggregate classification (germline): Uncertain significance (1 of 4 stars; one submission).

Conditions:
Pheochromocytoma. Also called: MAX-Related Hereditary Paraganglioma-Pheochromocytoma Syndrome. Identifiers: Orphanet 29072, MedGen C0031511, MONDO:0008233, OMIM 171300, HP:0002666.
Paragangliomas with sensorineural hearing loss. Identifiers: MedGen C1868633.
Carney-Stratakis syndrome. Also called: PARAGANGLIOMA AND GASTROINTESTINAL STROMAL TUMOR. Identifiers: Orphanet 97286, MedGen C1847319, MONDO:0011740, OMIM 606864.
Cowden syndrome 3 (CWS3). Identifiers: Orphanet 201, MedGen CN166604, MONDO:0014045.

Submission:

Labcorp Genetics (formerly Invitae), Labcorp
Classification: Uncertain significance for Carney-Stratakis syndrome; Paragangliomas with sensorineural hearing loss; Pheochromocytoma; Cowden syndrome 3. Last evaluated: 2022-02-08. Review status: criteria provided, single submitter. Criteria: Invitae Variant Classification Sherloc (09022015). Collection method: clinical testing. Allele origin: germline.
Comment: This sequence change replaces phenylalanine, which is neutral and non-polar, with leucine, which is neutral and non-polar, at codon 34 of the SDHD protein (p.Phe34Leu). This variant is not present in population databases (gnomAD no frequency). This variant has not been reported in the literature in individuals affected with SDHD-related conditions. Advanced modeling of protein sequence and biophysical properties (such as structural, functional, and spatial information, amino acid conservation, physicochemical variation, residue mobility, and thermodynamic stability) performed at Invitae indicates that this missense variant is not expected to disrupt SDHD protein function. In summary, the available evidence is currently insufficient to determine the role of this variant in disease. Therefore, it has been classified as a Variant of Uncertain Significance.

NM_003002.4(SDHD):c.102T>A (p.Phe34Leu)

Gene: SDHD (succinate dehydrogenase complex subunit D; plus strand). Cytogenetic location: 11q23.1.
Variant type: single nucleotide variant.
Coding change: c.102T>A on transcript NM_003002.4 (MANE Select); coding-DNA position 102, T replaced by A.
Protein change: p.Phe34Leu; replaces phenylalanine 34 with leucine.
Molecular consequence: missense variant. On other transcripts: non-coding transcript variant (1), intron variant (1).
Genome position (GRCh38, 1-based): chr11:112,087,906, T>A. VCF-style: chr11-112087906-T-A. GRCh37 (hg19) VCF-style: chr11-111958630-T-A.
Other names: c.102T>A, p.Phe34Leu (NM_001276506.2, NM_001276503.2); c.52+947T>A (NM_001276504.2); short protein forms F34L.
Identifiers: ClinVar variation 2095091 (VCV002095091.4), dbSNP rs2498899868, ClinGen allele CA382616996.